The following is an entry in ClinVar:

ClinVar aggregate classification (germline): Uncertain significance. Review status: criteria provided, multiple submitters, no conflicts (2 of 4 stars). 2 submissions from 2 submitters: Uncertain significance (2). Last evaluated 2025-11-01.

Submissions (2):

CeGaT Center for Human Genetics Tuebingen
Classification: Uncertain significance. Last evaluated: 2025-11-01. Review status: criteria provided, single submitter. Criteria: CeGaT Center For Human Genetics Tuebingen Variant Classification Criteria Version 2. Collection method: clinical testing. Allele origin: germline. Affected: yes. Observed: 1 variant allele.
Comment: EPO: PM2

Revvity Omics, Revvity
Classification: Uncertain significance. Last evaluated: 2022-03-31. Review status: criteria provided, single submitter. Criteria: ACMG Guidelines, 2015. Collection method: clinical testing. Allele origin: germline.

NM_000799.4(EPO):c.14-1G>C

Gene: EPO (erythropoietin; plus strand). Cytogenetic location: 7q22.1.
Variant type: single nucleotide variant.
Coding change: c.14-1G>C on transcript NM_000799.4 (MANE Select); the canonical splice acceptor site of the intron before coding-DNA position 14, G replaced by C.
Molecular consequence: splice acceptor variant.
Genome position (GRCh38, 1-based): chr7:100,721,557, G>C. VCF-style: chr7-100721557-G-C. GRCh37 (hg19) VCF-style: chr7-100319180-G-C.
Identifiers: ClinVar variation 2441272 (VCV002441272.9), dbSNP rs2486360988, ClinGen allele CA368558964.